The following is an entry in ClinVar:

NM_001271.4(CHD2):c.5126A>T (p.His1709Leu)

Gene: CHD2 (chromodomain helicase DNA binding protein 2; plus strand). Cytogenetic location: 15q26.1.
Variant type: single nucleotide variant.
Coding change: c.5126A>T on transcript NM_001271.4 (MANE Select); coding-DNA position 5126, A replaced by T.
Protein change: p.His1709Leu; replaces histidine 1709 with leucine.
Molecular consequence: missense variant.
Genome position (GRCh38, 1-based): chr15:93,020,231, A>T. VCF-style: chr15-93020231-A-T. GRCh37 (hg19) VCF-style: chr15-93563461-A-T.
Other names: short protein forms H1709L.
Identifiers: ClinVar variation 1679782 (VCV001679782.4), dbSNP rs1172858416, ClinGen allele CA393907957.

ClinVar aggregate classification (germline): Uncertain significance. Review status: criteria provided, multiple submitters, no conflicts (2 of 4 stars). 2 submissions from 2 submitters: Uncertain significance (2). Last evaluated 2025-11-10.

Conditions:
Developmental and epileptic encephalopathy 94 (DEE94). Also called: Epileptic encephalopathy, childhood-onset; CHD2-Related Neurodevelopmental Disorders. Identifiers: Orphanet 1942, Orphanet 2382, MedGen C3809278, MONDO:0014150, OMIM 615369.

Allele frequency attached by ClinVar (database versions not stated): TOPMed 0.00002.

Submissions (2):

Labcorp Genetics (formerly Invitae), Labcorp
Classification: Uncertain significance for Developmental and epileptic encephalopathy 94. Last evaluated: 2025-11-10. Review status: criteria provided, single submitter. Criteria: Invitae Variant Classification Sherloc (09022015). Collection method: clinical testing. Allele origin: germline.
Comment: This sequence change replaces histidine, which is basic and polar, with leucine, which is neutral and non-polar, at codon 1709 of the CHD2 protein (p.His1709Leu). This variant is not present in population databases (gnomAD no frequency). This variant has not been reported in the literature in individuals affected with CHD2-related conditions. ClinVar contains an entry for this variant (Variation ID: 1679782). Invitae Evidence Modeling of protein sequence and biophysical properties (such as structural, functional, and spatial information, amino acid conservation, physicochemical variation, residue mobility, and thermodynamic stability) indicates that this missense variant is not expected to disrupt CHD2 protein function with a negative predictive value of 95%. In summary, the available evidence is currently insufficient to determine the role of this variant in disease. Therefore, it has been classified as a Variant of Uncertain Significance.

New York Genome Center
Classification: Uncertain significance for Developmental and epileptic encephalopathy 94. Last evaluated: 2021-04-30. Review status: criteria provided, single submitter. Criteria: NYGC Assertion Criteria 2020. Collection method: clinical testing. Allele origin: germline. Observed: 1 heterozygote. Study: CSER-NYCKidSeq.